The following is an entry in ClinVar:

ClinVar aggregate classification (germline): Conflicting classifications of pathogenicity. Review status: criteria provided, conflicting classifications (1 of 4 stars). 22 submissions from 18 submitters: Uncertain significance (3); Benign (5); Likely benign (9). 5 of the submissions do not count toward it. Last evaluated 2026-07-01.

Conditions:
Dilated cardiomyopathy 1G (CMD1G). Identifiers: Orphanet 154, MedGen C1858763, MONDO:0011400, OMIM 604145.
Autosomal recessive limb-girdle muscular dystrophy type 2J (LGMDR10). Also called: MUSCULAR DYSTROPHY, LIMB-GIRDLE, AUTOSOMAL RECESSIVE 10; Limb-girdle muscular dystrophy, type 2J. Identifiers: Orphanet 140922, MedGen C1837342, MONDO:0012127, OMIM 608807.
TTN-related disorder. Also called: TTN-related disorders; TTN-related condition; TTN-related disease.
Cardiovascular phenotype. Identifiers: MedGen CN230736.
Cardiomyopathy (CMYO). Also called: Cardiomyopathies. Identifiers: Orphanet 167848, MedGen C0878544, MONDO:0004994, HP:0001638. Inheritance: Various modes of inheritance.
Early-onset myopathy with fatal cardiomyopathy (CMYO5). Also called: CONGENITAL MYOPATHY 5 WITH CARDIOMYOPATHY; Salih Myopathy. Identifiers: Orphanet 289377, MedGen C2673677, MONDO:0012714, OMIM 611705. Disease mechanism: loss of function.
Myopathy, myofibrillar, 9, with early respiratory failure (MFM9). Also called: Myopathy, distal, with early respiratory failure, autosomal dominant; Hereditary myopathy with early respiratory failure; MYOPATHY, PROXIMAL, WITH EARLY RESPIRATORY MUSCLE INVOLVEMENT; EDSTROM MYOPATHY. Identifiers: Orphanet 178464, Orphanet 34521, MedGen C1863599, MONDO:0011362, OMIM 603689.
Tibial muscular dystrophy (TMD). Also called: Udd Distal Myopathy – Tibial Muscular Dystrophy; Tibial muscular dystrophy, tardive; UDD MYOPATHY. Identifiers: Orphanet 609, MedGen C1838244, MONDO:0010870, OMIM 600334.

Allele frequency attached by ClinVar (database versions not stated): 1000 Genomes Project 0.00040; ExAC 0.00099; ESP Exome Variant Server 0.00084; gnomAD 0.00105 and 0.00101; TOPMed 0.00107; 1000 Genomes Project 30x 0.00062; gnomAD exomes 0.00108 and 0.00148.
gnomAD v4.1: 2,219 of 1,531,202 alleles (0.14%); highest among the groups gnomAD compares: Non-Finnish European, 0.17%; 5 homozygotes.

Submissions (22):

CeGaT Center for Human Genetics Tuebingen
Classification: Likely benign. Last evaluated: 2026-07-01. Review status: criteria provided, single submitter. Criteria: CeGaT Center For Human Genetics Tuebingen Variant Classification Criteria Version 2. Collection method: clinical testing. Allele origin: germline. Affected: yes. Observed: 22 variant alleles.
Comment: TTN: BP4, BP7

Labcorp Genetics (formerly Invitae), Labcorp
Classification: Benign for Dilated cardiomyopathy 1G; Autosomal recessive limb-girdle muscular dystrophy type 2J. Last evaluated: 2026-02-01. Review status: criteria provided, single submitter. Criteria: Invitae Variant Classification Sherloc (09022015). Collection method: clinical testing. Allele origin: germline.

Molecular Diagnostic Laboratory for Inherited Cardiovascular Disease, Montreal Heart Institute
Classification: Likely benign. Last evaluated: 2025-04-09. Review status: criteria provided, single submitter. Criteria: ACMG Guidelines, 2015. Collection method: clinical testing. Allele origin: germline. Affected: no.

ARUP Laboratories, Molecular Genetics and Genomics, ARUP Laboratories
Classification: Likely benign. Last evaluated: 2025-03-28. Review status: criteria provided, single submitter. Criteria: ARUP Molecular Germline Variant Investigation Process 2024. Collection method: clinical testing. Allele origin: germline.

Mayo Clinic Laboratories, Mayo Clinic
Classification: Likely benign. Last evaluated: 2025-01-02. Review status: criteria provided, single submitter. Criteria: ACMG Guidelines, 2015. Collection method: clinical testing. Allele origin: germline. Observed: 6 variant alleles.
Comment: BS1, BP4, BP7

Blueprint Genetics
Classification: Likely benign. Last evaluated: 2024-11-04. Review status: criteria provided, single submitter. Criteria: ACMG Guidelines, 2015. Collection method: clinical testing. Allele origin: germline.

Women's Health and Genetics/Laboratory Corporation of America, LabCorp
Classification: Benign. Last evaluated: 2021-09-25. Review status: criteria provided, single submitter. Criteria: LabCorp Variant Classification Summary - May 2015. Collection method: clinical testing. Allele origin: germline.

Illumina Laboratory Services, Illumina
Classification: Uncertain significance for Autosomal recessive limb-girdle muscular dystrophy type 2J. Last evaluated: 2018-01-13. Review status: criteria provided, single submitter. Criteria: ICSL Variant Classification Criteria 13 December 2019. Collection method: clinical testing. Allele origin: germline.

Illumina Laboratory Services, Illumina
Classification: Uncertain significance for Early-onset myopathy with fatal cardiomyopathy. Last evaluated: 2018-01-13. Review status: criteria provided, single submitter. Criteria: ICSL Variant Classification Criteria 13 December 2019. Collection method: clinical testing. Allele origin: germline.

Illumina Laboratory Services, Illumina
Classification: Uncertain significance for Dilated cardiomyopathy 1G. Last evaluated: 2018-01-13. Review status: criteria provided, single submitter. Criteria: ICSL Variant Classification Criteria 13 December 2019. Collection method: clinical testing. Allele origin: germline.

Illumina Laboratory Services, Illumina
Classification: Benign for Myopathy, myofibrillar, 9, with early respiratory failure. Last evaluated: 2018-01-13. Review status: criteria provided, single submitter. Criteria: ICSL Variant Classification Criteria 13 December 2019. Collection method: clinical testing. Allele origin: germline.
Comment: This variant was observed in the ICSL laboratory as part of a predisposition screen in an ostensibly healthy population. It had not been previously curated by ICSL or reported in the Human Gene Mutation Database (HGMD: prior to June 1st, 2018), and was therefore a candidate for classification through an automated scoring system. Utilizing variant allele frequency, disease prevalence and penetrance estimates, and inheritance mode, an automated score was calculated to assess if this variant is too frequent to cause the disease. Based on the score and internal cut-off values, a variant classified as benign is not then subjected to further curation. The score for this variant resulted in a classification of benign for this disease.

Illumina Laboratory Services, Illumina
Classification: Benign for Tibial muscular dystrophy. Last evaluated: 2018-01-13. Review status: criteria provided, single submitter. Criteria: ICSL Variant Classification Criteria 13 December 2019. Collection method: clinical testing. Allele origin: germline.
Comment: the same text as in the submission from Illumina Laboratory Services, Illumina above.

CHEO Genetics Diagnostic Laboratory, Children's Hospital of Eastern Ontario
Classification: Likely benign for Cardiomyopathy. Last evaluated: 2017-04-28. Review status: criteria provided, single submitter. Criteria: ACMG Guidelines, 2015. Collection method: clinical testing. Allele origin: germline. Study: Canadian Open Genetics Repository.

Ambry Genetics
Classification: Likely benign for Cardiovascular phenotype. Last evaluated: 2017-03-14. Review status: criteria provided, single submitter. Criteria: Ambry Variant Classification Scheme 2023. Collection method: clinical testing. Allele origin: germline.

Eurofins Ntd Llc (ga)
Classification: Likely benign. Last evaluated: 2015-10-07. Review status: criteria provided, single submitter. Criteria: EGL Classification Definitions 2015. Collection method: clinical testing. Allele origin: germline. Observed: 1 variant allele, 1 heterozygote.

GeneDx
Classification: Benign. Last evaluated: 2013-06-11. Review status: criteria provided, single submitter. Criteria: GeneDx Variant Classification (06012015). Collection method: clinical testing. Allele origin: germline. Affected: yes.
Comment: This variant is considered likely benign or benign based on one or more of the following criteria: it is a conservative change, it occurs at a poorly conserved position in the protein, it is predicted to be benign by multiple in silico algorithms, and/or has population frequency not consistent with disease.

Laboratory for Molecular Medicine, Mass General Brigham Personalized Medicine
Classification: Likely benign. Last evaluated: 2012-01-27. Review status: criteria provided, single submitter. Criteria: LMM Criteria. Collection method: clinical testing. Allele origin: germline. Observed: 8 variant alleles.
Comment: p.Pro18487Pro in exon 253 of TTN: This variant is not expected to have clinical significance because it does not alter an amino acid residue and has been identi fied in 0.1% (9/6614) of European American chromosomes by the NHLBI Exome Sequen cing Project in a broad population (dbSNP rs72 646852).

PreventionGenetics, part of Exact Sciences
Classification: Likely benign for TTN-related condition. Last evaluated: 2024-03-26. Review status: no assertion criteria provided. Collection method: clinical testing. Allele origin: germline. Not counted in ClinVar's aggregate classification.
Comment: This variant is classified as likely benign based on ACMG/AMP sequence variant interpretation guidelines (Richards et al. 2015 PMID: 25741868, with internal and published modifications).

Clinical Genetics DNA and cytogenetics Diagnostics Lab, Erasmus MC, Erasmus Medical Center
Classification: Likely benign. Review status: no assertion criteria provided. Collection method: clinical testing. Allele origin: germline. Affected: yes. Study: VKGL Data-share Consensus. Not counted in ClinVar's aggregate classification.

Clinical Genetics, Academic Medical Center
Classification: Benign. Review status: no assertion criteria provided. Collection method: clinical testing. Allele origin: germline. Affected: yes. Study: VKGL Data-share Consensus. Not counted in ClinVar's aggregate classification.

Diagnostic Laboratory, Department of Genetics, University Medical Center Groningen
Classification: Likely benign. Review status: no assertion criteria provided. Collection method: clinical testing. Allele origin: germline. Affected: yes. Study: VKGL Data-share Consensus. Not counted in ClinVar's aggregate classification.

Genome Diagnostics Laboratory, University Medical Center Utrecht
Classification: Likely benign. Review status: no assertion criteria provided. Collection method: clinical testing. Allele origin: germline. Affected: yes. Study: VKGL Data-share Consensus. Not counted in ClinVar's aggregate classification.

NM_001267550.2(TTN):c.63165G>A (p.Pro21055=)

Genes: TTN-AS1 (TTN antisense RNA 1; plus strand), TTN (titin; minus strand). Cytogenetic location: 2q31.2.
Variant type: single nucleotide variant.
Coding change: c.63165G>A on transcript NM_001267550.2 (MANE Select); coding-DNA position 63165, G replaced by A.
Protein change: p.Pro21055=; no amino-acid change (proline 21055 retained).
Molecular consequence: synonymous variant.
Genome position (GRCh38, 1-based): chr2:178,588,560, C>T on the plus strand (G>A on the coding strand, the complement: TTN is on the minus strand). VCF-style: chr2-178588560-C-T. GRCh37 (hg19) VCF-style: chr2-179453287-C-T.
Other names: p.P19414P:CCG>CCA; p.Pro18487=; c.58242G>A, p.Pro19414= (NM_001256850.1); c.35970G>A, p.Pro11990= (NM_003319.4); c.55461G>A, p.Pro18487= (NM_133378.4); c.36345G>A, p.Pro12115= (NM_133432.3); c.36546G>A, p.Pro12182= (NM_133437.4).
Identifiers: ClinVar variation 47191 (VCV000047191.77), dbSNP rs72646852, ClinGen allele CA232501.
Genomic context (GRCh38, chr2:178,588,560, plus strand): 5'-GAGTTGCTGTAATATCAGAAAAAACAAGGACATCCTACCTATGGGGTCTTTTGCCACCAC[C>T]GGTCTTGAAGGCAAGCTTGGTTCTCCAATTCCAATTTCATTTTCTGCCTTGACACGGAAC-3'
Protein context (NP_001254479.2, residues 21045-21065): GIGEPSLPSR[Pro21055=]VVAKDPIEPP